The following is an entry in ClinVar:

ClinVar aggregate classification (germline): Likely benign (0 of 4 stars; one submission).

Conditions:
TBX3-related disorder. Also called: TBX3-related condition.

Submission:

PreventionGenetics, part of Exact Sciences
Classification: Likely benign for TBX3-related condition. Last evaluated: 2022-10-10. Review status: no assertion criteria provided. Collection method: clinical testing. Allele origin: germline.
Comment: This variant is classified as likely benign based on ACMG/AMP sequence variant interpretation guidelines (Richards et al. 2015 PMID: 25741868, with internal and published modifications).

NM_005996.4(TBX3):c.657+9_657+11del

Gene: TBX3 (T-box transcription factor 3; minus strand). Cytogenetic location: 12q24.21.
Variant type: Deletion.
Coding change: c.657+9_657+11del on transcript NM_005996.4 (MANE Select); bases 9 to 11 of the intron after coding-DNA position 657, 3 bases deleted (CAT; older notation c.657+9_657+11delCAT).
Molecular consequence: intron variant.
Genome position (GRCh38, 1-based): chr12:114,680,868-114,680,870, ATG deleted on the plus strand (CAT on the coding strand, the reverse complement: TBX3 is on the minus strand); deleting any 3 consecutive bases within chr12:114,680,868-114,680,871 gives the same sequence; the c. name uses the placement nearest the transcript's 3' end. VCF-style (leftmost placement, unchanged base first): chr12-114680867-AATG-A. GRCh37 (hg19) VCF-style: chr12-115118672-AATG-A.
Other names: c.657+9_657+11del (NM_016569.4).
Identifiers: ClinVar variation 3353309 (VCV003353309.1).
Genomic context (GRCh38, chr12:114,680,867, plus strand): 5'-TGAAATGGGAAGCACTGCCTTTGACTGAGTGAAGGAGGAGAAAATTTTACTGAAGAGAGC[AATG>A]AAACTTACAAATCCATGTTTGTCTGAAATGTTGTTGGTGAGTTTCAGTTTGTGGAAAGTG-3'